The following is an entry in ClinVar:

NM_001012614.2(CTBP1):c.1054G>A (p.Ala352Thr)

Genes: CTBP1 (C-terminal binding protein 1; minus strand), CTBP1-AS (CTBP1 antisense RNA; plus strand). Cytogenetic location: 4p16.3.
Variant type: single nucleotide variant.
Coding change: c.1054G>A on transcript NM_001012614.2 (MANE Select); coding-DNA position 1054, G replaced by A.
Protein change: p.Ala352Thr; replaces alanine 352 with threonine.
Molecular consequence: missense variant.
Genome position (GRCh38, 1-based): chr4:1,212,965, C>T on the plus strand (G>A on the coding strand, the complement: CTBP1 is on the minus strand). VCF-style: chr4-1212965-C-T. GRCh37 (hg19) VCF-style: chr4-1206753-C-T.
Other names: c.1087G>A, p.Ala363Thr (NM_001328.3, NM_001377186.1); c.1054G>A, p.Ala352Thr (NM_001377187.1, NM_001377188.1, NM_001377189.1 and 4 more transcripts); short protein forms A352T, A363T.
Identifiers: ClinVar variation 1334814 (VCV001334814.4), dbSNP rs1423221448, ClinGen allele CA355944705.
Genomic context (GRCh38, chr4:1,212,965, plus strand): 5'-CTGCTCACCTATAGGCAGCCCCATTGAGCTCAGGGTGCACGACGGCGGGGTCCATGCTGG[C>T]CCAGTGGGTGGCGGCTGTCAGATGGTCCTTGTTGACACAGTTCTTCAGGCTGTCTGGGAT-3'
Protein context (NP_001012632.1, residues 342-362): KDHLTAATHW[Ala352Thr]SMDPAVVHPE

ClinVar aggregate classification (germline): Uncertain significance (1 of 4 stars; one submission).

Allele frequency attached by ClinVar (database versions not stated): gnomAD 0.00001.
gnomAD v4.1: 1 of 1,613,772 alleles (0.000062%); highest among the groups gnomAD compares: Non-Finnish European, 0.000085%; no homozygotes.

Submission:

Genetic Services Laboratory, University of Chicago
Classification: Uncertain significance. Last evaluated: 2021-11-02. Review status: criteria provided, single submitter. Criteria: ACMG Guidelines, 2015. Collection method: clinical testing. Allele origin: germline. Affected: no.
Comment: This sequence change does not appear to have been previously described in individuals with CTBP1-related disorders. This sequence change has been described in the gnomAD database in one heterozygous individual which corresponds to a population frequency of 0.0032% (dbSNP rs1423221448). The p.Ala363Thr change affects a moderately conserved amino acid residue located in a domain of the CTBP1 protein that is not known to be functional. The p.Ala363Thr substitution appears to be benign using several in-silico pathogenicity prediction tools (SIFT, PolyPhen2, Align GVGD, REVEL). Due to insufficient evidence and the lack of functional studies, the clinical significance of the p.Ala363Thr change remains unknown at this time.